The following is an entry in ClinVar:

NM_000264.5(PTCH1):c.529C>A (p.Gln177Lys)

Gene: PTCH1 (patched 1; minus strand). Cytogenetic location: 9q22.32.
Variant type: single nucleotide variant.
Coding change: c.529C>A on transcript NM_000264.5 (MANE Select); coding-DNA position 529, C replaced by A.
Protein change: p.Gln177Lys; replaces glutamine 177 with lysine.
Molecular consequence: missense variant. On other transcripts: non-coding transcript variant (1).
Genome position (GRCh38, 1-based): chr9:95,485,740, G>T on the plus strand (C>A on the coding strand, the complement: PTCH1 is on the minus strand). VCF-style: chr9-95485740-G-T. GRCh37 (hg19) VCF-style: chr9-98248022-G-T.
Other names: c.331C>A, p.Gln111Lys (NM_001083602.3, NM_001354919.2); c.526C>A, p.Gln176Lys (NM_001083603.3); c.76C>A, p.Gln26Lys (NM_001083604.3, NM_001083605.3, NM_001083606.3 and 1 more transcripts); c.529C>A, p.Gln177Lys (NM_001354918.2); short protein forms Q111K, Q176K, Q177K, Q26K.
Identifiers: ClinVar variation 4801809 (VCV004801809.1).
Genomic context (GRCh38, chr9:95,485,740, plus strand): 5'-CTTACCTGTTGTACATGTATACATGGACACGGCTGGCCTGGAGTGCCGAGTCCAGGTGTT[G>T]TAGGAGCGCTTCTGTGGTCAGGACATTAGCACCTTCTTCTTTAGGGGTCTGTATCATGAG-3'
Protein context (NP_000255.2, residues 167-187): ANVLTTEALL[Gln177Lys]HLDSALQASR

ClinVar aggregate classification (germline): Uncertain significance (1 of 4 stars; one submission).

Conditions:
Gorlin syndrome. Also called: Nevoid Basal Cell Carcinoma Syndrome; Basal cell nevus syndrome. Identifiers: Orphanet 377, MedGen C0004779, MONDO:0007187.

Submission:

Labcorp Genetics (formerly Invitae), Labcorp
Classification: Uncertain significance for Gorlin syndrome. Last evaluated: 2025-10-01. Review status: criteria provided, single submitter. Criteria: Invitae Variant Classification Sherloc (09022015). Collection method: clinical testing. Allele origin: germline.
Comment: This sequence change replaces glutamine, which is neutral and polar, with lysine, which is basic and polar, at codon 177 of the PTCH1 protein (p.Gln177Lys). This variant is not present in population databases (gnomAD no frequency). This variant has not been reported in the literature in individuals affected with PTCH1-related conditions. Invitae Evidence Modeling of protein sequence and biophysical properties (such as structural, functional, and spatial information, amino acid conservation, physicochemical variation, residue mobility, and thermodynamic stability) indicates that this missense variant is not expected to disrupt PTCH1 protein function with a negative predictive value of 95%. In summary, the available evidence is currently insufficient to determine the role of this variant in disease. Therefore, it has been classified as a Variant of Uncertain Significance.